The following is an entry in ClinVar:

NM_000051.4(ATM):c.2803A>G (p.Thr935Ala)

Gene: ATM (ATM serine/threonine kinase; plus strand). Cytogenetic location: 11q22.3.
Variant type: single nucleotide variant.
Coding change: c.2803A>G on transcript NM_000051.4 (MANE Select); coding-DNA position 2803, A replaced by G.
Protein change: p.Thr935Ala; replaces threonine 935 with alanine.
Molecular consequence: missense variant.
Genome position (GRCh38, 1-based): chr11:108,268,574, A>G. VCF-style: chr11-108268574-A-G. GRCh37 (hg19) VCF-style: chr11-108139301-A-G.
Other names: c.2803A>G, p.Thr935Ala (NM_001351834.2); short protein forms T935A.
Identifiers: ClinVar variation 485195 (VCV000485195.20), dbSNP rs35813135, ClinGen allele CA228407759.

ClinVar aggregate classification (germline): Uncertain significance. Review status: criteria provided, multiple submitters, no conflicts (2 of 4 stars). 4 submissions from 4 submitters: Uncertain significance (3). 1 of the submissions does not count toward it. Last evaluated 2025-12-29.

Conditions:
Hereditary cancer-predisposing syndrome. Also called: Hereditary neoplastic syndrome; Neoplastic Syndromes, Hereditary; Tumor predisposition; Hereditary Cancer Syndrome. Identifiers: Orphanet 140162, MedGen C0027672, MeSH D009386, MONDO:0015356.
Ataxia-telangiectasia syndrome (AT). Also called: LOUIS-BAR SYNDROME; Cerebello-oculocutaneous telangiectasia; Immunodeficiency with ataxia telangiectasia; AT, COMPLEMENTATION GROUP C; Ataxia-telangiectasia, complementation group D; ATAXIA-TELANGIECTASIA, COMPLEMENTATION GROUP A. Identifiers: Orphanet 100, MedGen C0004135, MONDO:0008840, OMIM 208900.

Allele frequency attached by ClinVar (database versions not stated): gnomAD 0.00001; 1000 Genomes Project 30x 0.00016; 1000 Genomes Project 0.00020.
gnomAD v4.1: 3 of 1,614,060 alleles (0.00019%); highest among the groups gnomAD compares: East Asian, 0.0045%; no homozygotes.

Submissions (4):

Center for Genomic Medicine, Rigshospitalet, Copenhagen University Hospital
Classification: Uncertain significance. Last evaluated: 2025-12-29. Review status: criteria provided, single submitter. Criteria: ACMG Guidelines, 2015. Collection method: clinical testing. Allele origin: germline.

Labcorp Genetics (formerly Invitae), Labcorp
Classification: Uncertain significance for Ataxia-telangiectasia syndrome. Last evaluated: 2025-06-20. Review status: criteria provided, single submitter. Criteria: Invitae Variant Classification Sherloc (09022015). Collection method: clinical testing. Allele origin: germline.
Comment: This sequence change replaces threonine, which is neutral and polar, with alanine, which is neutral and non-polar, at codon 935 of the ATM protein (p.Thr935Ala). This variant is present in population databases (rs35813135, gnomAD 0.006%). This variant has not been reported in the literature in individuals affected with ATM-related conditions. ClinVar contains an entry for this variant (Variation ID: 485195). Invitae Evidence Modeling of protein sequence and biophysical properties (such as structural, functional, and spatial information, amino acid conservation, physicochemical variation, residue mobility, and thermodynamic stability) indicates that this missense variant is not expected to disrupt ATM protein function with a negative predictive value of 95%. In summary, the available evidence is currently insufficient to determine the role of this variant in disease. Therefore, it has been classified as a Variant of Uncertain Significance.

Ambry Genetics
Classification: Uncertain significance for Hereditary cancer-predisposing syndrome. Last evaluated: 2023-03-20. Review status: criteria provided, single submitter. Criteria: Ambry Variant Classification Scheme 2023. Collection method: clinical testing. Allele origin: germline.
Comment: The p.T935A variant (also known as c.2803A>G), located in coding exon 17 of the ATM gene, results from an A to G substitution at nucleotide position 2803. The threonine at codon 935 is replaced by alanine, an amino acid with similar properties. This amino acid position is poorly conserved in available vertebrate species. In addition, this alteration is predicted to be tolerated by in silico analysis. Since supporting evidence is limited at this time, the clinical significance of this alteration remains unclear.

Natera, Inc.
Classification: Uncertain significance for Ataxia-telangiectasia. Last evaluated: 2021-05-30. Review status: no assertion criteria provided. Collection method: clinical testing. Allele origin: germline. Not counted in ClinVar's aggregate classification.